The following is an entry in ClinVar:

ClinVar aggregate classification (germline): Likely benign (1 of 4 stars; one submission).

Allele frequency attached by ClinVar (database versions not stated): TOPMed 0.00006; ESP Exome Variant Server 0.00023; 1000 Genomes Project 30x 0.00031; 1000 Genomes Project 0.00040; gnomAD exomes 0.00068; ExAC 0.00144; gnomAD 0.00173.
gnomAD v4.1: 1,233 of 1,614,160 alleles (0.076%); highest among the groups gnomAD compares: Non-Finnish European, 0.0046%; 15 homozygotes.

Submission:

CeGaT Center for Human Genetics Tuebingen
Classification: Likely benign. Last evaluated: 2023-02-01. Review status: criteria provided, single submitter. Criteria: CeGaT Center For Human Genetics Tuebingen Variant Classification Criteria Version 2. Collection method: clinical testing. Allele origin: germline. Affected: yes. Observed: 1 variant allele.
Comment: SHROOM3: BP4

NM_020859.4(SHROOM3):c.4192C>T (p.Pro1398Ser)

Genes: SHROOM3 (shroom family member 3; plus strand), SHROOM3-AS1 (SHROOM3 antisense RNA 1; minus strand). Cytogenetic location: 4q21.1.
Variant type: single nucleotide variant.
Coding change: c.4192C>T on transcript NM_020859.4 (MANE Select); coding-DNA position 4192, C replaced by T.
Protein change: p.Pro1398Ser; replaces proline 1398 with serine.
Molecular consequence: missense variant.
Genome position (GRCh38, 1-based): chr4:76,754,675, C>T. VCF-style: chr4-76754675-C-T. GRCh37 (hg19) VCF-style: chr4-77675828-C-T.
Other names: short protein forms P1398S.
Identifiers: ClinVar variation 2654834 (VCV002654834.24), dbSNP rs145940717, ClinGen allele CA2972965.